The following is an entry in ClinVar:

ClinVar aggregate classification (germline): Uncertain significance (1 of 4 stars; one submission).

Conditions:
Pityriasis rubra pilaris (PRP). Also called: Pityriasis rubra pilaris--familial type. Identifiers: Orphanet 2897, MedGen C0032027, MONDO:0100017, OMIM 173200, MONDO:0008251.
Psoriasis 2. Identifiers: MedGen C1864497, MONDO:0011269, OMIM 602723.

Allele frequency attached by ClinVar (database versions not stated): gnomAD 0.00001; gnomAD exomes 0.00001; TOPMed 0.00001.
gnomAD v4.1: 24 of 1,613,500 alleles (0.0015%); highest among the groups gnomAD compares: South Asian, 0.0077%; no homozygotes.

Submission:

Labcorp Genetics (formerly Invitae), Labcorp
Classification: Uncertain significance for Pityriasis rubra pilaris; Psoriasis 2. Last evaluated: 2024-08-01. Review status: criteria provided, single submitter. Criteria: Invitae Variant Classification Sherloc (09022015). Collection method: clinical testing. Allele origin: germline.
Comment: This sequence change replaces threonine, which is neutral and polar, with isoleucine, which is neutral and non-polar, at codon 420 of the CARD14 protein (p.Thr420Ile). This variant is present in population databases (no rsID available, gnomAD 0.01%). This variant has not been reported in the literature in individuals affected with CARD14-related conditions. Advanced modeling of protein sequence and biophysical properties (such as structural, functional, and spatial information, amino acid conservation, physicochemical variation, residue mobility, and thermodynamic stability) performed at Invitae indicates that this missense variant is not expected to disrupt CARD14 protein function with a negative predictive value of 80%. In summary, the available evidence is currently insufficient to determine the role of this variant in disease. Therefore, it has been classified as a Variant of Uncertain Significance.

NM_001366385.1(CARD14):c.1259C>T (p.Thr420Ile)

Gene: CARD14 (caspase recruitment domain family member 14; plus strand). Cytogenetic location: 17q25.3.
Variant type: single nucleotide variant.
Coding change: c.1259C>T on transcript NM_001366385.1 (MANE Select); coding-DNA position 1259, C replaced by T.
Protein change: p.Thr420Ile; replaces threonine 420 with isoleucine.
Molecular consequence: missense variant. On other transcripts: non-coding transcript variant (1).
Genome position (GRCh38, 1-based): chr17:80,192,522, C>T. VCF-style: chr17-80192522-C-T. GRCh37 (hg19) VCF-style: chr17-78166321-C-T.
Other names: c.1259C>T, p.Thr420Ile (NM_001257970.1, NM_024110.4); c.548C>T, p.Thr183Ile (NM_052819.3); short protein forms T183I, T420I.
Identifiers: ClinVar variation 2933121 (VCV002933121.3), dbSNP rs1471564601, ClinGen allele CA401347392.